The following is an entry in ClinVar:

ClinVar aggregate classification (germline): Uncertain significance (1 of 4 stars; one submission).

Conditions:
Myofibrillar myopathy 4. Also called: Zaspopathy (type). Identifiers: Orphanet 98912, MedGen C4721886, MONDO:0012277, OMIM 609452.

Allele frequency attached by ClinVar (database versions not stated): TOPMed below 0.00001.

Submission:

Labcorp Genetics (formerly Invitae), Labcorp
Classification: Uncertain significance for Myofibrillar myopathy 4. Last evaluated: 2022-06-24. Review status: criteria provided, single submitter. Criteria: Invitae Variant Classification Sherloc (09022015). Collection method: clinical testing. Allele origin: germline.
Comment: This variant has not been reported in the literature in individuals affected with LDB3-related conditions. In summary, the available evidence is currently insufficient to determine the role of this variant in disease. Therefore, it has been classified as a Variant of Uncertain Significance. Experimental studies and prediction algorithms are not available or were not evaluated, and the effect of this variant on mRNA splicing is currently unknown. This variant is not present in population databases (gnomAD no frequency). This sequence change affects codon 341 of the LDB3 mRNA. It is a 'silent' change, meaning that it does not change the encoded amino acid sequence of the LDB3 protein. The LDB3 gene has multiple clinically relevant transcripts. This variant occurs in alternate transcript NM_007078.3, and corresponds to NM_001080116.1:c.*7283C>T in the primary transcript.

NM_007078.3(LDB3):c.1023C>T (p.Ala341=)

Gene: LDB3 (LIM domain binding 3; plus strand). Cytogenetic location: 10q23.2.
Variant type: single nucleotide variant.
Coding change: c.1023C>T on transcript NM_007078.3 (MANE Select); coding-DNA position 1023, C replaced by T.
Protein change: p.Ala341=; no amino-acid change (alanine 341 retained).
Molecular consequence: synonymous variant. On other transcripts: intron variant (4).
Genome position (GRCh38, 1-based): chr10:86,706,657, C>T. VCF-style: chr10-86706657-C-T. GRCh37 (hg19) VCF-style: chr10-88466414-C-T.
Other names: c.882C>T, p.Ala294= (NM_001368066.1); c.897-3248C>T (NM_001368064.1, NM_001368065.1); c.1101-3248C>T (NM_001171610.2); c.756-3248C>T (NM_001080114.2).
Identifiers: ClinVar variation 2010035 (VCV002010035.4), dbSNP rs1846455581, ClinGen allele CA1925627231.
Genomic context (GRCh38, chr10:86,706,657, plus strand): 5'-CCAGCCACCTGCTGCTGCCTCTCCCAGTGCGGCTTCGCCACCCCTGGCCACAGCTGCTGC[C>T]CACACTGCCATCGCCTCCGCCTCCACCACAGCCCCTGCTTCAAGTCCTGCCGACAGCCCA-3'
Protein context (NP_009009.1, residues 331-351): AASPPLATAA[Ala341=]HTAIASASTT